The following is an entry in ClinVar:

ClinVar aggregate classification (germline): Likely benign (0 of 4 stars; one submission).

Conditions:
TRPC3-related disorder. Also called: TRPC3-related condition.

Allele frequency attached by ClinVar (database versions not stated): ExAC 0.00002; TOPMed 0.00002; gnomAD 0.00003; gnomAD exomes 0.00005.

Submission:

PreventionGenetics, part of Exact Sciences
Classification: Likely benign for TRPC3-related condition. Last evaluated: 2019-03-30. Review status: no assertion criteria provided. Collection method: clinical testing. Allele origin: germline.
Comment: This variant is classified as likely benign based on ACMG/AMP sequence variant interpretation guidelines (Richards et al. 2015 PMID: 25741868, with internal and published modifications).

NM_001130698.2(TRPC3):c.501C>G (p.Leu167=)

Gene: TRPC3 (transient receptor potential cation channel subfamily C member 3; minus strand). Cytogenetic location: 4q27.
Variant type: single nucleotide variant.
Coding change: c.501C>G on transcript NM_001130698.2 (MANE Select); coding-DNA position 501, C replaced by G.
Protein change: p.Leu167=; no amino-acid change (leucine 167 retained).
Molecular consequence: synonymous variant.
Genome position (GRCh38, 1-based): chr4:121,932,757, G>C on the plus strand (C>G on the coding strand, the complement: TRPC3 is on the minus strand). VCF-style: chr4-121932757-G-C. GRCh37 (hg19) VCF-style: chr4-122853912-G-C.
Other names: c.501C>G, p.Leu167= (NM_001366479.2); c.282C>G, p.Leu94= (NM_003305.2).
Identifiers: ClinVar variation 3058512 (VCV003058512.2), dbSNP rs200679397, ClinGen allele CA3065143.